The following is an entry in ClinVar:

ClinVar aggregate classification (germline): Uncertain significance (1 of 4 stars; one submission).

Conditions:
Periodontitis, aggressive. Identifiers: MedGen C0031106, MONDO:0980757.
Haim-Munk syndrome (HMS). Also called: COCHIN JEWISH DISORDER; KERATOSIS PALMOPLANTARIS WITH PERIODONTOPATHIA AND ONYCHOGRYPOSIS. Identifiers: Orphanet 2342, MedGen C1855627, MONDO:0009491, OMIM 245010.
Papillon-Lefèvre syndrome (PALS). Also called: Papillon-Lefevre Disease; KERATOSIS PALMOPLANTARIS WITH PERIODONTOPATHIA. Identifiers: Orphanet 678, MedGen C0030360, MONDO:0009490, OMIM 245000.

Allele frequency attached by ClinVar (database versions not stated): ExAC 0.00001.
gnomAD v4.1: 3 of 1,611,982 alleles (0.00019%); highest among the groups gnomAD compares: Non-Finnish European, 0.00025%; no homozygotes.

Submission:

Labcorp Genetics (formerly Invitae), Labcorp
Classification: Uncertain significance for Haim-Munk syndrome; Periodontitis, aggressive; Papillon-Lefèvre syndrome. Last evaluated: 2022-09-13. Review status: criteria provided, single submitter. Criteria: Invitae Variant Classification Sherloc (09022015). Collection method: clinical testing. Allele origin: germline.
Comment: This sequence change replaces alanine, which is neutral and non-polar, with valine, which is neutral and non-polar, at codon 103 of the CTSC protein (p.Ala103Val). This variant is present in population databases (rs769892343, gnomAD 0.002%). This variant has not been reported in the literature in individuals affected with CTSC-related conditions. ClinVar contains an entry for this variant (Variation ID: 650523). Advanced modeling of protein sequence and biophysical properties (such as structural, functional, and spatial information, amino acid conservation, physicochemical variation, residue mobility, and thermodynamic stability) performed at Invitae indicates that this missense variant is not expected to disrupt CTSC protein function. In summary, the available evidence is currently insufficient to determine the role of this variant in disease. Therefore, it has been classified as a Variant of Uncertain Significance.

NM_001814.6(CTSC):c.308C>T (p.Ala103Val)

Gene: CTSC (cathepsin C; minus strand). Cytogenetic location: 11q14.2.
Variant type: single nucleotide variant.
Coding change: c.308C>T on transcript NM_001814.6 (MANE Select); coding-DNA position 308, C replaced by T.
Protein change: p.Ala103Val; replaces alanine 103 with valine.
Molecular consequence: missense variant.
Genome position (GRCh38, 1-based): chr11:88,334,947, G>A on the plus strand (C>T on the coding strand, the complement: CTSC is on the minus strand). VCF-style: chr11-88334947-G-A. GRCh37 (hg19) VCF-style: chr11-88068115-G-A.
Other names: c.308C>T, p.Ala103Val (NM_001114173.3, NM_148170.5); short protein forms A103V.
Identifiers: ClinVar variation 650523 (VCV000650523.8), dbSNP rs769892343, ClinGen allele CA6220074.